The following is an entry in ClinVar:

NM_005476.7(GNE):c.1441C>T (p.Arg481Trp)

Gene: GNE (glucosamine (UDP-N-acetyl)-2-epimerase/N-acetylmannosamine kinase; minus strand). Cytogenetic location: 9p13.3.
Variant type: single nucleotide variant.
Coding change: c.1441C>T on transcript NM_005476.7 (MANE Select); coding-DNA position 1441, C replaced by T.
Protein change: p.Arg481Trp; replaces arginine 481 with tryptophan.
Molecular consequence: missense variant. On other transcripts: intron variant (1).
Genome position (GRCh38, 1-based): chr9:36,222,969, G>A on the plus strand (C>T on the coding strand, the complement: GNE is on the minus strand). VCF-style: chr9-36222969-G-A. GRCh37 (hg19) VCF-style: chr9-36222966-G-A.
Other names: c.1534C>T, p.Arg512Trp (NM_001128227.3); c.1111C>T, p.Arg371Trp (NM_001190384.3); c.1264C>T, p.Arg422Trp (NM_001190388.2, NM_001374798.1); c.1288C>T, p.Arg430Trp (NM_001374797.1); c.1411+404C>T (NM_001190383.3); short protein forms R371W, R422W, R430W, R512W, R481W.
Identifiers: ClinVar variation 2062352 (VCV002062352.4), dbSNP rs772489205, ClinGen allele CA5056480.

ClinVar aggregate classification (germline): Uncertain significance. Review status: criteria provided, multiple submitters, no conflicts (2 of 4 stars). 2 submissions from 2 submitters: Uncertain significance (2). Last evaluated 2025-07-16.

Conditions:
GNE myopathy (NM). Also called: INCLUSION BODY MYOPATHY, HEREDITARY, AUTOSOMAL RECESSIVE; INCLUSION BODY MYOPATHY 2, AUTOSOMAL RECESSIVE; IBM 2; Inclusion body myopathy autosomal recessive; Inclusion body myopathy quadriceps sparing; NONAKA DISTAL MYOPATHY. Identifiers: Orphanet 602, MedGen C1853926, MONDO:0011603, OMIM 605820.
Sialuria. Also called: SIALURIA, FRENCH TYPE; Sialic Acid Storage Disease. Identifiers: Orphanet 3166, MedGen C0342853, MONDO:0010028, OMIM 269921.

Allele frequency attached by ClinVar (database versions not stated): TOPMed 0.00001; ExAC 0.00002.
gnomAD v4.1: 12 of 1,613,962 alleles (0.00074%); highest among the groups gnomAD compares: Admixed American, 0.0067%; no homozygotes.

Submissions (2):

Labcorp Genetics (formerly Invitae), Labcorp
Classification: Uncertain significance for Sialuria; GNE myopathy. Last evaluated: 2025-07-16. Review status: criteria provided, single submitter. Criteria: Invitae Variant Classification Sherloc (09022015). Collection method: clinical testing. Allele origin: germline.
Comment: This sequence change replaces arginine, which is basic and polar, with tryptophan, which is neutral and slightly polar, at codon 512 of the GNE protein (p.Arg512Trp). This variant is present in population databases (rs772489205, gnomAD 0.009%). This variant has not been reported in the literature in individuals affected with GNE-related conditions. ClinVar contains an entry for this variant (Variation ID: 2062352). Invitae Evidence Modeling of protein sequence and biophysical properties (such as structural, functional, and spatial information, amino acid conservation, physicochemical variation, residue mobility, and thermodynamic stability) has been performed for this missense variant. However, the output from this modeling did not meet the statistical confidence thresholds required to predict the impact of this variant on GNE protein function. In summary, the available evidence is currently insufficient to determine the role of this variant in disease. Therefore, it has been classified as a Variant of Uncertain Significance.

Revvity Omics, Revvity
Classification: Uncertain significance. Last evaluated: 2023-10-23. Review status: criteria provided, single submitter. Criteria: ACMG Guidelines, 2015. Collection method: clinical testing. Allele origin: germline.